The following is an entry in ClinVar:

NM_001037333.3(CYFIP2):c.1293G>A (p.Ala431=)

Gene: CYFIP2 (cytoplasmic FMR1 interacting protein 2; plus strand). Cytogenetic location: 5q33.3.
Variant type: single nucleotide variant.
Coding change: c.1293G>A on transcript NM_001037333.3 (MANE Select); coding-DNA position 1293, G replaced by A.
Protein change: p.Ala431=; no amino-acid change (alanine 431 retained).
Molecular consequence: synonymous variant.
Genome position (GRCh38, 1-based): chr5:157,315,031, G>A. VCF-style: chr5-157315031-G-A. GRCh37 (hg19) VCF-style: chr5-156742039-G-A.
Other names: c.1215G>A, p.Ala405= (NM_001291721.2); c.1293G>A, p.Ala431= (NM_001291722.2, NM_014376.4); c.1293G>A (NM_001291722.1).
Identifiers: ClinVar variation 1653414 (VCV001653414.16), dbSNP rs369323669, ClinGen allele CA3533581.

ClinVar aggregate classification (germline): Likely benign. Review status: criteria provided, multiple submitters, no conflicts (2 of 4 stars). 3 submissions from 3 submitters: Likely benign (2). 1 of the submissions does not count toward it. Last evaluated 2025-11-05.

Conditions:
CYFIP2-related disorder. Also called: CYFIP2-related condition.

Allele frequency attached by ClinVar (database versions not stated): ExAC 0.00015; gnomAD 0.00027 and 0.00030; TOPMed 0.00028; 1000 Genomes Project 30x 0.00031; ESP Exome Variant Server 0.00032; 1000 Genomes Project 0.00040.
gnomAD v4.1: 125 of 1,610,952 alleles (0.0078%); highest among the groups gnomAD compares: African/African-American, 0.084%; no homozygotes.

Submissions (3):

Labcorp Genetics (formerly Invitae), Labcorp
Classification: Likely benign. Last evaluated: 2025-11-05. Review status: criteria provided, single submitter. Criteria: Invitae Variant Classification Sherloc (09022015). Collection method: clinical testing. Allele origin: germline.

CeGaT Center for Human Genetics Tuebingen
Classification: Likely benign. Last evaluated: 2025-11-01. Review status: criteria provided, single submitter. Criteria: CeGaT Center For Human Genetics Tuebingen Variant Classification Criteria Version 2. Collection method: clinical testing. Allele origin: germline. Affected: yes. Observed: 1 variant allele.
Comment: CYFIP2: BP4, BP7

PreventionGenetics, part of Exact Sciences
Classification: Likely benign for CYFIP2-related condition. Last evaluated: 2021-03-02. Review status: no assertion criteria provided. Collection method: clinical testing. Allele origin: germline. Not counted in ClinVar's aggregate classification.
Comment: This variant is classified as likely benign based on ACMG/AMP sequence variant interpretation guidelines (Richards et al. 2015 PMID: 25741868, with internal and published modifications).